The following is an entry in ClinVar:

NM_000719.7(CACNA1C):c.3460G>T (p.Ala1154Ser)

Gene: CACNA1C (calcium voltage-gated channel subunit alpha1 C; plus strand). Cytogenetic location: 12p13.33.
Variant type: single nucleotide variant.
Coding change: c.3460G>T on transcript NM_000719.7 (MANE Select); coding-DNA position 3460, G replaced by T.
Protein change: p.Ala1154Ser; replaces alanine 1154 with serine.
Molecular consequence: missense variant.
Genome position (GRCh38, 1-based): chr12:2,608,614, G>T. VCF-style: chr12-2608614-G-T. GRCh37 (hg19) VCF-style: chr12-2717780-G-T.
Other names: c.3520G>T, p.Ala1174Ser (NM_001129827.2, NM_001129832.2, NM_199460.4); c.3460G>T, p.Ala1154Ser (NM_001129829.2, NM_001129830.3, NM_001129831.2 and 15 more transcripts); c.3451G>T, p.Ala1151Ser (NM_001129844.2); short protein forms A1154S, A1174S, A1151S.
Identifiers: ClinVar variation 647346 (VCV000647346.9), dbSNP rs1601930985, ClinGen allele CA383375440.

ClinVar aggregate classification (germline): Uncertain significance (1 of 4 stars; one submission).

Conditions:
Long QT syndrome (LQTS). Identifiers: MedGen C0023976, MeSH D008133, MONDO:0002442. Disease mechanism: loss of function. Inheritance: Various modes of inheritance.

Submission:

Labcorp Genetics (formerly Invitae), Labcorp
Classification: Uncertain significance for Long QT syndrome. Last evaluated: 2025-09-03. Review status: criteria provided, single submitter. Criteria: Invitae Variant Classification Sherloc (09022015). Collection method: clinical testing. Allele origin: germline.
Comment: This sequence change replaces alanine, which is neutral and non-polar, with serine, which is neutral and polar, at codon 1154 of the CACNA1C protein (p.Ala1154Ser). This variant is not present in population databases (gnomAD no frequency). This variant has not been reported in the literature in individuals affected with CACNA1C-related conditions. ClinVar contains an entry for this variant (Variation ID: 647346). Invitae Evidence Modeling of protein sequence and biophysical properties (such as structural, functional, and spatial information, amino acid conservation, physicochemical variation, residue mobility, and thermodynamic stability) indicates that this missense variant is expected to disrupt CACNA1C protein function with a positive predictive value of 80%. In summary, the available evidence is currently insufficient to determine the role of this variant in disease. Therefore, it has been classified as a Variant of Uncertain Significance.